The following is an entry in ClinVar:

NM_012418.4(FSCN2):c.1400A>G (p.Lys467Arg)

Gene: FSCN2 (fascin actin-bundling protein 2, retinal; plus strand). Cytogenetic location: 17q25.3.
Variant type: single nucleotide variant.
Coding change: c.1400A>G on transcript NM_012418.4 (MANE Select); coding-DNA position 1400, A replaced by G.
Protein change: p.Lys467Arg; replaces lysine 467 with arginine.
Molecular consequence: missense variant.
Genome position (GRCh38, 1-based): chr17:81,537,001, A>G. VCF-style: chr17-81537001-A-G. GRCh37 (hg19) VCF-style: chr17-79504027-A-G.
Other names: c.1472A>G, p.Lys491Arg (NM_001077182.3); short protein forms K467R, K491R.
Identifiers: ClinVar variation 1061303 (VCV001061303.9), dbSNP rs1047266558, ClinGen allele CA295085893.
Genomic context (GRCh38, chr17:81,537,001, plus strand): 5'-AGGACTTCGTCTTCGAGTTCCGTGAGCGCGGCCGCCTGGCCATCCGCGCCCGGAGCGGCA[A>G]GTACCTGCGCGGCGGCGCCTCGGGCCTGCTGCGGGCCGATGCCGACGCCCCGGCCGGGAC-3'
Protein context (NP_036550.1, residues 457-477): GRLAIRARSG[Lys467Arg]YLRGGASGLL

ClinVar aggregate classification (germline): Uncertain significance (1 of 4 stars; one submission).

Allele frequency attached by ClinVar (database versions not stated): gnomAD 0.00001; gnomAD exomes 0.00001; TOPMed 0.00003.
gnomAD v4.1: 14 of 1,516,858 alleles (0.00092%); highest among the groups gnomAD compares: African/African-American, 0.0029%; no homozygotes.

Submission:

Labcorp Genetics (formerly Invitae), Labcorp
Classification: Uncertain significance. Last evaluated: 2026-01-27. Review status: criteria provided, single submitter. Criteria: Invitae Variant Classification Sherloc (09022015). Collection method: clinical testing. Allele origin: germline.
Comment: This sequence change replaces lysine, which is basic and polar, with arginine, which is basic and polar, at codon 491 of the FSCN2 protein (p.Lys491Arg). This variant is present in population databases (no rsID available, gnomAD 0.005%). This variant has not been reported in the literature in individuals affected with FSCN2-related conditions. ClinVar contains an entry for this variant (Variation ID: 1061303). An algorithm developed to predict the effect of missense changes on protein structure and function (PolyPhen-2) suggests that this variant is likely to be tolerated. Algorithms developed to predict the effect of sequence changes on RNA splicing suggest that this variant may create or strengthen a splice site. In summary, the available evidence is currently insufficient to determine the role of this variant in disease. Therefore, it has been classified as a Variant of Uncertain Significance.